The following is an entry in ClinVar:

NM_213655.5(WNK1):c.3367A>G (p.Ile1123Val)

Gene: WNK1 (WNK lysine deficient protein kinase 1; plus strand). Cytogenetic location: 12p13.33.
Variant type: single nucleotide variant.
Coding change: c.3367A>G on transcript NM_213655.5 (MANE Plus Clinical); coding-DNA position 3367, A replaced by G.
Protein change: p.Ile1123Val; replaces isoleucine 1123 with valine.
Molecular consequence: missense variant. On other transcripts: intron variant (2).
Genome position (GRCh38, 1-based): chr12:868,838, A>G. VCF-style: chr12-868838-A-G. GRCh37 (hg19) VCF-style: chr12-978004-A-G.
Other names: c.3112A>G, p.Ile1038Val (NM_001184985.2); c.2140-2427A>G (NM_018979.4, NM_014823.3); c.3367A>G (NM_213655.4); short protein forms I1038V, I1123V.
Identifiers: ClinVar variation 1444175 (VCV001444175.7), dbSNP rs767548043, ClinGen allele CA6382344.

ClinVar aggregate classification (germline): Uncertain significance. Review status: criteria provided, multiple submitters, no conflicts (2 of 4 stars). 2 submissions from 2 submitters: Uncertain significance (2). Last evaluated 2024-12-11.

Conditions:
Neuropathy, hereditary sensory and autonomic, type 2A (HSAN2A). Also called: ACROOSTEOLYSIS, GIACCAI TYPE; ACROOSTEOLYSIS, NEUROGENIC; MORVAN DISEASE; NEUROPATHY, CONGENITAL SENSORY; NEUROPATHY, HEREDITARY SENSORY RADICULAR, AUTOSOMAL RECESSIVE; NEUROPATHY, HEREDITARY SENSORY, TYPE IIA. Identifiers: Orphanet 970, MedGen C2752089, MONDO:0024309, OMIM 201300.
Pseudohypoaldosteronism type 2C (PHA2C). Also called: Pseudohypoaldosteronism Type IIC. Identifiers: Orphanet 757, Orphanet 88940, MedGen C1840391, MONDO:0013778, OMIM 614492.

Allele frequency attached by ClinVar (database versions not stated): ExAC 0.00001; gnomAD 0.00001; gnomAD exomes 0.00001; TOPMed 0.00002.
gnomAD v4.1: 12 of 1,613,946 alleles (0.00074%); highest among the groups gnomAD compares: South Asian, 0.0022%; no homozygotes.

Submissions (2):

GeneDx
Classification: Uncertain significance. Last evaluated: 2024-12-11. Review status: criteria provided, single submitter. Criteria: GeneDx Variant Classification Process June 2021. Collection method: clinical testing. Allele origin: germline. Affected: yes.
Comment: Not observed at significant frequency in large population cohorts (gnomAD); In silico analysis indicates that this missense variant does not alter protein structure/function; Has not been previously published as pathogenic or benign to our knowledge

Labcorp Genetics (formerly Invitae), Labcorp
Classification: Uncertain significance for Neuropathy, hereditary sensory and autonomic, type 2A; Pseudohypoaldosteronism type 2C. Last evaluated: 2021-09-04. Review status: criteria provided, single submitter. Criteria: Invitae Variant Classification Sherloc (09022015). Collection method: clinical testing. Allele origin: germline.
Comment: In summary, the available evidence is currently insufficient to determine the role of this variant in disease. Therefore, it has been classified as a Variant of Uncertain Significance. Advanced modeling of protein sequence and biophysical properties (such as structural, functional, and spatial information, amino acid conservation, physicochemical variation, residue mobility, and thermodynamic stability) performed at Invitae indicates that this missense variant is not expected to disrupt WNK1 protein function. This variant has not been reported in the literature in individuals affected with WNK1-related conditions. This variant is present in population databases (rs767548043, ExAC 0.002%). This sequence change replaces isoleucine with valine at codon 1123 of the WNK1 protein (p.Ile1123Val). The isoleucine residue is weakly conserved and there is a small physicochemical difference between isoleucine and valine.